The following is an entry in ClinVar:

ClinVar aggregate classification (germline): Uncertain significance (1 of 4 stars; one submission).

Allele frequency attached by ClinVar (database versions not stated): gnomAD exomes below 0.00001 and 0.00001; ExAC 0.00002.
gnomAD v4.1: 4 of 1,613,804 alleles (0.00025%); highest among the groups gnomAD compares: South Asian, 0.0022%; no homozygotes.

Submission:

Labcorp Genetics (formerly Invitae), Labcorp
Classification: Uncertain significance. Last evaluated: 2019-10-28. Review status: criteria provided, single submitter. Criteria: Invitae Variant Classification Sherloc (09022015). Collection method: clinical testing. Allele origin: germline.
Comment: In summary, the available evidence is currently insufficient to determine the role of this variant in disease. Therefore, it has been classified as a Variant of Uncertain Significance. Algorithms developed to predict the effect of missense changes on protein structure and function (SIFT, PolyPhen-2, Align-GVGD) all suggest that this variant is likely to be tolerated, but these predictions have not been confirmed by published functional studies and their clinical significance is uncertain. This variant has not been reported in the literature in individuals with HK1-related conditions. This variant is present in population databases (rs747711080, ExAC 0.006%). This sequence change replaces valine with isoleucine at codon 204 of the HK1 protein (p.Val204Ile). The valine residue is moderately conserved and there is a small physicochemical difference between valine and isoleucine.

NM_000188.3(HK1):c.610G>A (p.Val204Ile)

Gene: HK1 (hexokinase 1; plus strand). Cytogenetic location: 10q22.1.
Variant type: single nucleotide variant.
Coding change: c.610G>A on transcript NM_000188.3 (MANE Select); coding-DNA position 610, G replaced by A.
Protein change: p.Val204Ile; replaces valine 204 with isoleucine.
Molecular consequence: missense variant.
Genome position (GRCh38, 1-based): chr10:69,369,255, G>A. VCF-style: chr10-69369255-G-A. GRCh37 (hg19) VCF-style: chr10-71129011-G-A.
Other names: c.622G>A, p.Val208Ile (NM_001322364.2, NM_001358263.1, NM_033497.3 and 1 more transcripts); c.715G>A, p.Val239Ile (NM_001322365.2); c.526G>A, p.Val176Ile (NM_001322366.1); c.514G>A, p.Val172Ile (NM_001322367.1); c.607G>A, p.Val203Ile (NM_033496.3); c.574G>A, p.Val192Ile (NM_033500.2); short protein forms V176I, V192I, V208I, V203I, V204I, V239I, V172I.
Identifiers: ClinVar variation 967362 (VCV000967362.9), dbSNP rs747711080, ClinGen allele CA5532394.